The following continues an entry in ClinVar:

NM_001077365.2(POMT1):c.1826-6C>A

Gene: POMT1. ClinVar aggregate classification (germline): Benign/Likely benign. Benign (8); Likely benign (3).

Submissions 27 to 50 of 50:

Dr. Peter K. Rogan Lab, Western University
No classification provided (evidence only). Condition: Acute myeloid leukemia. Review status: no classification provided. Collection method: in vitro. Allele origin: not applicable. Functional consequence: retained intron. Not counted in ClinVar's aggregate classification.

Dr. Peter K. Rogan Lab, Western University
No classification provided (evidence only). Condition: Uterine corpus endometrial carcinoma. Review status: no classification provided. Collection method: in vitro. Allele origin: not applicable. Functional consequence: retained intron. Not counted in ClinVar's aggregate classification.

Dr. Peter K. Rogan Lab, Western University
No classification provided (evidence only). Condition: Cervical cancer. Review status: no classification provided. Collection method: in vitro. Allele origin: not applicable. Functional consequence: retained intron. Not counted in ClinVar's aggregate classification.

Dr. Peter K. Rogan Lab, Western University
No classification provided (evidence only). Condition: Cervical cancer. Review status: no classification provided. Collection method: in vitro. Allele origin: not applicable. Functional consequence: retained intron. Not counted in ClinVar's aggregate classification.

Dr. Peter K. Rogan Lab, Western University
No classification provided (evidence only). Condition: Cervical cancer. Review status: no classification provided. Collection method: in vitro. Allele origin: not applicable. Functional consequence: retained intron. Not counted in ClinVar's aggregate classification.

Dr. Peter K. Rogan Lab, Western University
No classification provided (evidence only). Condition: Cervical cancer. Review status: no classification provided. Collection method: in vitro. Allele origin: not applicable. Functional consequence: retained intron. Not counted in ClinVar's aggregate classification.

Dr. Peter K. Rogan Lab, Western University
No classification provided (evidence only). Condition: Sarcoma. Review status: no classification provided. Collection method: in vitro. Allele origin: not applicable. Functional consequence: skipped exon, retained intron. Not counted in ClinVar's aggregate classification.

Dr. Peter K. Rogan Lab, Western University
No classification provided (evidence only). Condition: Sarcoma. Review status: no classification provided. Collection method: in vitro. Allele origin: not applicable. Functional consequence: retained intron. Not counted in ClinVar's aggregate classification.

Dr. Peter K. Rogan Lab, Western University
No classification provided (evidence only). Condition: Sarcoma. Review status: no classification provided. Collection method: in vitro. Allele origin: not applicable. Functional consequence: retained intron. Not counted in ClinVar's aggregate classification.

Dr. Peter K. Rogan Lab, Western University
No classification provided (evidence only). Condition: Sarcoma. Review status: no classification provided. Collection method: in vitro. Allele origin: not applicable. Functional consequence: retained intron. Not counted in ClinVar's aggregate classification.

Dr. Peter K. Rogan Lab, Western University
No classification provided (evidence only). Condition: Sarcoma. Review status: no classification provided. Collection method: in vitro. Allele origin: not applicable. Functional consequence: retained intron. Not counted in ClinVar's aggregate classification.

Dr. Peter K. Rogan Lab, Western University
No classification provided (evidence only). Condition: Thymoma. Review status: no classification provided. Collection method: in vitro. Allele origin: not applicable. Functional consequence: retained intron. Not counted in ClinVar's aggregate classification.

Dr. Peter K. Rogan Lab, Western University
No classification provided (evidence only). Condition: Ovarian serous cystadenocarcinoma. Review status: no classification provided. Collection method: in vitro. Allele origin: not applicable. Functional consequence: retained intron. Not counted in ClinVar's aggregate classification.

Dr. Peter K. Rogan Lab, Western University
No classification provided (evidence only). Condition: Ovarian serous cystadenocarcinoma. Review status: no classification provided. Collection method: in vitro. Allele origin: not applicable. Functional consequence: retained intron. Not counted in ClinVar's aggregate classification.

Dr. Peter K. Rogan Lab, Western University
No classification provided (evidence only). Condition: Ovarian serous cystadenocarcinoma. Review status: no classification provided. Collection method: in vitro. Allele origin: not applicable. Functional consequence: retained intron. Not counted in ClinVar's aggregate classification.

Dr. Peter K. Rogan Lab, Western University
No classification provided (evidence only). Condition: Ovarian serous cystadenocarcinoma. Review status: no classification provided. Collection method: in vitro. Allele origin: not applicable. Functional consequence: retained intron. Not counted in ClinVar's aggregate classification.

Dr. Peter K. Rogan Lab, Western University
No classification provided (evidence only). Condition: Ovarian serous cystadenocarcinoma. Review status: no classification provided. Collection method: in vitro. Allele origin: not applicable. Functional consequence: retained intron. Not counted in ClinVar's aggregate classification.

Dr. Peter K. Rogan Lab, Western University
No classification provided (evidence only). Condition: Gastric cancer. Review status: no classification provided. Collection method: in vitro. Allele origin: not applicable. Functional consequence: retained intron. Not counted in ClinVar's aggregate classification.

Dr. Peter K. Rogan Lab, Western University
No classification provided (evidence only). Condition: Malignant tumor of esophagus. Review status: no classification provided. Collection method: in vitro. Allele origin: not applicable. Functional consequence: skipped exon, retained intron. Not counted in ClinVar's aggregate classification.

Dr. Peter K. Rogan Lab, Western University
No classification provided (evidence only). Condition: Malignant tumor of esophagus. Review status: no classification provided. Collection method: in vitro. Allele origin: not applicable. Functional consequence: retained intron. Not counted in ClinVar's aggregate classification.

Dr. Peter K. Rogan Lab, Western University
No classification provided (evidence only). Condition: Nonpapillary renal cell carcinoma. Review status: no classification provided. Collection method: in vitro. Allele origin: not applicable. Functional consequence: retained intron. Not counted in ClinVar's aggregate classification.

Dr. Peter K. Rogan Lab, Western University
No classification provided (evidence only). Condition: Lymphoma. Review status: no classification provided. Collection method: in vitro. Allele origin: not applicable. Functional consequence: skipped exon, retained intron. Not counted in ClinVar's aggregate classification.

Dr. Peter K. Rogan Lab, Western University
No classification provided (evidence only). Condition: Ovarian cancer. Review status: no classification provided. Collection method: in vitro. Allele origin: not applicable. Functional consequence: retained intron. Not counted in ClinVar's aggregate classification.

Dr. Peter K. Rogan Lab, Western University
No classification provided (evidence only). Condition: Ovarian cancer. Review status: no classification provided. Collection method: in vitro. Allele origin: not applicable. Functional consequence: retained intron. Not counted in ClinVar's aggregate classification.